The following is an entry in ClinVar:

NM_000321.3(RB1):c.795A>C (p.Lys265Asn)

Gene: RB1 (RB transcriptional corepressor 1; plus strand). Cytogenetic location: 13q14.2.
Variant type: single nucleotide variant.
Coding change: c.795A>C on transcript NM_000321.3 (MANE Select); coding-DNA position 795, A replaced by C.
Protein change: p.Lys265Asn; replaces lysine 265 with asparagine.
Molecular consequence: missense variant.
Genome position (GRCh38, 1-based): chr13:48,362,891, A>C. VCF-style: chr13-48362891-A-C. GRCh37 (hg19) VCF-style: chr13-48937027-A-C.
Other names: c.795A>C, p.Lys265Asn (NM_001407165.1, NM_001407166.1); short protein forms K265N.
Identifiers: ClinVar variation 3787273 (VCV003787273.1).

ClinVar aggregate classification (germline): Uncertain significance (1 of 4 stars; one submission).

Conditions:
Hereditary cancer-predisposing syndrome. Also called: Neoplastic Syndromes, Hereditary; Hereditary Cancer Syndrome; Tumor predisposition; Hereditary neoplastic syndrome. Identifiers: Orphanet 140162, MedGen C0027672, MeSH D009386, MONDO:0015356.

gnomAD v4.1: 1 of 1,613,784 alleles (0.000062%); highest among the groups gnomAD compares: African/African-American, 0.0013%; no homozygotes.

Submission:

Ambry Genetics
Classification: Uncertain significance for Hereditary cancer-predisposing syndrome. Last evaluated: 2024-12-21. Review status: criteria provided, single submitter. Criteria: Ambry Variant Classification Scheme 2023. Collection method: clinical testing. Allele origin: germline.
Comment: The p.K265N variant (also known as c.795A>C), located in coding exon 8 of the RB1 gene, results from an A to C substitution at nucleotide position 795. The lysine at codon 265 is replaced by asparagine, an amino acid with similar properties. This amino acid position is conserved. In addition, this alteration is predicted to be tolerated by in silico analysis. Based on the available evidence, the clinical significance of this variant remains unclear.